The following is an entry in ClinVar:

ClinVar aggregate classification (germline): Uncertain significance (1 of 4 stars; one submission).

Conditions:
Epilepsy. Also called: Seizure disorder. Identifiers: MedGen C0014544, MeSH D004827, MONDO:0005027.

Submission:

Clinical Genetics Laboratory, Skane University Hospital Lund
Classification: Uncertain significance for Epilepsy. Last evaluated: 2025-06-18. Review status: criteria provided, single submitter. Criteria: ACMG Guidelines, 2015. Collection method: clinical testing. Allele origin: germline. Affected: yes.
Comment: ACMG criteria applied: PM2

NM_182931.3(KMT2E):c.5401_5404dup (p.Ser1802fs)

Gene: KMT2E (lysine methyltransferase 2E (inactive); plus strand). Cytogenetic location: 7q22.3.
Variant type: Duplication.
Coding change: c.5401_5404dup on transcript NM_182931.3 (MANE Select); coding-DNA positions 5401 to 5404, 4 bases duplicated (AACA; older notation c.5401_5404dupAACA).
Protein change: p.Ser1802fs; shifts the reading frame from serine 1802.
Molecular consequence: frameshift variant.
Genome position (GRCh38, 1-based): chr7:105,113,157-105,113,160, AACA duplicated; duplicating any 4 consecutive bases within chr7:105,113,155-105,113,160 gives the same sequence; the c. name uses the placement nearest the transcript's 3' end. VCF-style (leftmost placement, unchanged base first): chr7-105113154-C-CCAAA. GRCh37 (hg19) VCF-style: chr7-104753601-C-CCAAA.
Other names: c.5275_5278dup, p.Ser1760fs (NM_001410908.1); c.5401_5404dup, p.Ser1802fs (NM_018682.4); short protein forms S1760fs, S1802fs.
Identifiers: ClinVar variation 3902838 (VCV003902838.1).